The following is an entry in ClinVar:

ClinVar aggregate classification (germline): Uncertain significance. Review status: criteria provided, multiple submitters, no conflicts (2 of 4 stars). 6 submissions from 6 submitters: Uncertain significance (6). Last evaluated 2024-09-23.

Conditions:
Inborn genetic diseases. Identifiers: MedGen C0950123, MeSH D030342.
Chédiak-Higashi syndrome (CHS). Also called: Chediak-Higashi Syndrome. Identifiers: Orphanet 167, MedGen C0007965, MONDO:0008963, OMIM 214500.

Allele frequency attached by ClinVar (database versions not stated): gnomAD 0.00001 and 0.00002; TOPMed 0.00004; ExAC 0.00008; gnomAD exomes 0.00011.
gnomAD v4.1: 35 of 1,614,108 alleles (0.0022%); highest among the groups gnomAD compares: Admixed American, 0.055%; no homozygotes.

Submissions (6):

Mayo Clinic Laboratories, Mayo Clinic
Classification: Uncertain significance. Last evaluated: 2024-09-23. Review status: criteria provided, single submitter. Criteria: ACMG Guidelines, 2015. Collection method: clinical testing. Allele origin: germline. Observed: 1 variant allele.
Comment: BP4

Labcorp Genetics (formerly Invitae), Labcorp
Classification: Uncertain significance for Chédiak-Higashi syndrome. Last evaluated: 2022-08-22. Review status: criteria provided, single submitter. Criteria: Invitae Variant Classification Sherloc (09022015). Collection method: clinical testing. Allele origin: germline.
Comment: This sequence change replaces isoleucine, which is neutral and non-polar, with serine, which is neutral and polar, at codon 3429 of the LYST protein (p.Ile3429Ser). This variant is present in population databases (rs760815034, gnomAD 0.07%). This variant has not been reported in the literature in individuals affected with LYST-related conditions. ClinVar contains an entry for this variant (Variation ID: 424059). Algorithms developed to predict the effect of missense changes on protein structure and function (SIFT, PolyPhen-2, Align-GVGD) all suggest that this variant is likely to be tolerated. In summary, the available evidence is currently insufficient to determine the role of this variant in disease. Therefore, it has been classified as a Variant of Uncertain Significance.

Ambry Genetics
Classification: Uncertain significance for Inborn genetic diseases. Last evaluated: 2021-04-28. Review status: criteria provided, single submitter. Criteria: Ambry Variant Classification Scheme 2023. Collection method: clinical testing. Allele origin: germline.
Comment: The c.10286T>G (p.I3429S) alteration is located in exon 45 (coding exon 43) of the LYST gene. This alteration results from a T to G substitution at nucleotide position 10286, causing the isoleucine (I) at amino acid position 3429 to be replaced by a serine (S). The p.I3429S alteration is predicted to be tolerated by in silico analysis. Based on insufficient or conflicting evidence, the clinical significance of this alteration remains unclear.

Revvity Omics, Revvity
Classification: Uncertain significance for Chédiak-Higashi syndrome. Last evaluated: 2019-07-02. Review status: criteria provided, single submitter. Criteria: ACMG Guidelines, 2015. Collection method: clinical testing. Allele origin: germline.

GeneDx
Classification: Uncertain significance. Last evaluated: 2018-01-24. Review status: criteria provided, single submitter. Criteria: GeneDx Variant Classification (06012015). Collection method: clinical testing. Allele origin: germline. Affected: yes.
Comment: continued:The I3429S variant in the LYST gene has not been reported previously as a pathogenic variant, nor as a benign variant, to our knowledge. Although not present in the homozygous state in any control individuals, the I3429S variant is observed in 10/11,578 alleles (0.086%) from individuals of Latino background in the ExAC dataset (Lek et al., 2016). The I3429S variant is a non-conservative amino acid substitution, which is likely to impact secondary protein structure as these residues differ in polarity, charge, size and/or other properties. This substitution occurs at a position where amino acids with similar properties to Isoleucine are tolerated across species. In silico analysis is inconsistent in its predictions as to whether or not the variant is damaging to the protein structure/function. We interpret I3429S as a variant of uncertain significance.

Breakthrough Genomics
Classification: Uncertain significance. Review status: criteria provided, single submitter. Criteria: ACMG Guidelines, 2015. Collection method: not provided. Allele origin: germline. Inheritance: Autosomal recessive inheritance. Affected: yes.

NM_000081.4(LYST):c.10286T>G (p.Ile3429Ser)

Gene: LYST (lysosomal trafficking regulator; minus strand). Cytogenetic location: 1q42.3.
Variant type: single nucleotide variant.
Coding change: c.10286T>G on transcript NM_000081.4 (MANE Select); coding-DNA position 10286, T replaced by G.
Protein change: p.Ile3429Ser; replaces isoleucine 3429 with serine.
Molecular consequence: missense variant.
Genome position (GRCh38, 1-based): chr1:235,702,835, A>C on the plus strand (T>G on the coding strand, the complement: LYST is on the minus strand). VCF-style: chr1-235702835-A-C. GRCh37 (hg19) VCF-style: chr1-235866135-A-C.
Other names: p.Ile3429Ser; c.10286T>G, p.Ile3429Ser (NM_001301365.1); short protein forms I3429S.
Identifiers: ClinVar variation 424059 (VCV000424059.11), dbSNP rs760815034, ClinGen allele CA1465404.